The following is an entry in ClinVar:

ClinVar aggregate classification (germline): Likely pathogenic (1 of 4 stars; one submission).

Conditions:
Chondrosarcoma. Also called: Chondrosarcoma, somatic. Identifiers: Orphanet 55880, MedGen C0008479, MONDO:0008977, OMIM 215300, HP:0006765.
Exostoses, multiple, type 1 (EXT1). Also called: EXOSTOSES, MULTIPLE, TYPE I; Hereditary Multiple Osteochondromatosis, Type I. Identifiers: MedGen CN263289, MONDO:0007585, OMIM 133700.

Submission:

Juno Genomics, Hangzhou Juno Genomics, Inc
Classification: Likely pathogenic for Chondrosarcoma; Exostoses, multiple, type 1. Review status: criteria provided, single submitter. Criteria: ACMG Guidelines, 2015. Collection method: clinical testing. Allele origin: germline.
Comment: Absent from controls (or at extremely low frequency if recessive) in Genome Aggregation Database.;Multiple lines of computational evidence support a deleterious effect on the gene or gene product.;The prevalence of the variant in affected individuals is significantly increased compared to the prevalence in controls.;Patient's phenotype or family history is highly specific for a disease with a single genetic etiology.

NM_000127.3(EXT1):c.1031C>T (p.Ser344Phe)

Gene: EXT1 (exostosin glycosyltransferase 1; minus strand). Cytogenetic location: 8q24.11.
Variant type: single nucleotide variant.
Coding change: c.1031C>T on transcript NM_000127.3 (MANE Select); coding-DNA position 1031, C replaced by T.
Protein change: p.Ser344Phe; replaces serine 344 with phenylalanine.
Molecular consequence: missense variant.
Genome position (GRCh38, 1-based): chr8:117,837,133, G>A on the plus strand (C>T on the coding strand, the complement: EXT1 is on the minus strand). VCF-style: chr8-117837133-G-A. GRCh37 (hg19) VCF-style: chr8-118849372-G-A.
Other names: short protein forms S344F.
Identifiers: ClinVar variation 3767120 (VCV003767120.3).